The following is an entry in ClinVar:

NM_000784.4(CYP27A1):c.1373C>A (p.Pro458His)

Gene: CYP27A1 (cytochrome P450 family 27 subfamily A member 1; plus strand). Cytogenetic location: 2q35.
Variant type: single nucleotide variant.
Coding change: c.1373C>A on transcript NM_000784.4 (MANE Select); coding-DNA position 1373, C replaced by A.
Protein change: p.Pro458His; replaces proline 458 with histidine.
Molecular consequence: missense variant.
Genome position (GRCh38, 1-based): chr2:218,814,654, C>A. VCF-style: chr2-218814654-C-A. GRCh37 (hg19) VCF-style: chr2-219679377-C-A.
Other names: short protein forms P458H.
Identifiers: ClinVar variation 4826759 (VCV004826759.1).
Genomic context (GRCh38, chr2:218,814,654, plus strand): 5'-TCTCTGAGCCTGAAAGCTTCCAGCCCCACCGCTGGCTGAGAAACAGCCAGCCTGCTACCC[C>A]CAGGATCCAGCACCCATTTGGCTCTGTGCCCTTTGGCTATGGGGTCCGGGCCTGCCTGGG-3'
Protein context (NP_000775.1, residues 448-468): RWLRNSQPAT[Pro458His]RIQHPFGSVP

ClinVar aggregate classification (germline): Uncertain significance (1 of 4 stars; one submission).

Conditions:
Cardiovascular phenotype. Identifiers: MedGen CN230736.

gnomAD v4.1: 1 of 1,614,252 alleles (0.000062%); highest among the groups gnomAD compares: Non-Finnish European, 0.000085%; no homozygotes.

Submission:

Ambry Genetics
Classification: Uncertain significance for Cardiovascular phenotype. Last evaluated: 2026-03-01. Review status: criteria provided, single submitter. Criteria: Ambry Variant Classification Scheme 2023. Collection method: clinical testing. Allele origin: germline.
Comment: The p.P458H variant (also known as c.1373C>A), located in coding exon 8 of the CYP27A1 gene, results from a C to A substitution at nucleotide position 1373. The proline at codon 458 is replaced by histidine, an amino acid with similar properties. This amino acid position is conserved. In addition, this alteration is predicted to be tolerated by in silico analysis. Based on the available evidence, the clinical significance of this variant remains unclear.